The following is an entry in ClinVar:

ClinVar aggregate classification (germline): Uncertain significance (1 of 4 stars; one submission).

Allele frequency attached by ClinVar (database versions not stated): gnomAD exomes below 0.00001.

Submission:

Labcorp Genetics (formerly Invitae), Labcorp
Classification: Uncertain significance. Last evaluated: 2022-08-09. Review status: criteria provided, single submitter. Criteria: Invitae Variant Classification Sherloc (09022015). Collection method: clinical testing. Allele origin: germline.
Comment: In summary, the available evidence is currently insufficient to determine the role of this variant in disease. Therefore, it has been classified as a Variant of Uncertain Significance. Algorithms developed to predict the effect of missense changes on protein structure and function output the following: SIFT: "Tolerated"; PolyPhen-2: "Benign"; Align-GVGD: "Class C0". The arginine amino acid residue is found in multiple mammalian species, which suggests that this missense change does not adversely affect protein function. ClinVar contains an entry for this variant (Variation ID: 1405137). This variant has not been reported in the literature in individuals affected with LAMC3-related conditions. This variant is not present in population databases (gnomAD no frequency). This sequence change replaces glutamine, which is neutral and polar, with arginine, which is basic and polar, at codon 877 of the LAMC3 protein (p.Gln877Arg).

NM_006059.4(LAMC3):c.2630A>G (p.Gln877Arg)

Gene: LAMC3 (laminin subunit gamma 3; plus strand). Cytogenetic location: 9q34.12.
Variant type: single nucleotide variant.
Coding change: c.2630A>G on transcript NM_006059.4 (MANE Select); coding-DNA position 2630, A replaced by G.
Protein change: p.Gln877Arg; replaces glutamine 877 with arginine.
Molecular consequence: missense variant.
Genome position (GRCh38, 1-based): chr9:131,068,114, A>G. VCF-style: chr9-131068114-A-G. GRCh37 (hg19) VCF-style: chr9-133943501-A-G.
Other names: short protein forms Q877R.
Identifiers: ClinVar variation 1405137 (VCV001405137.8), dbSNP rs1237998521, ClinGen allele CA375253616.
Genomic context (GRCh38, chr9:131,068,114, plus strand): 5'-ACCCCTTCCTGCTCCTGCCCCCAGCTTGCAGCTGTCACCCACAGGGCTCGGTCAGTGAGC[A>G]GATGCCCTGCGACCCAGTGACAGGCCAATGCTCCTGCCTGCCTCATGTGACTGCACGGGA-3'
Protein context (NP_006050.3, residues 867-887): SCHPQGSVSE[Gln877Arg]MPCDPVTGQC